The following is an entry in ClinVar:

NM_000091.5(COL4A3):c.765G>C (p.Thr255=)

Genes: COL4A3 (collagen type IV alpha 3 chain; plus strand), MFF-DT (MFF divergent transcript; minus strand). Cytogenetic location: 2q36.3.
Variant type: single nucleotide variant.
Coding change: c.765G>C on transcript NM_000091.5 (MANE Select); coding-DNA position 765, G replaced by C.
Protein change: p.Thr255=; no amino-acid change (threonine 255 retained).
Molecular consequence: synonymous variant.
Genome position (GRCh38, 1-based): chr2:227,253,638, G>C. VCF-style: chr2-227253638-G-C. GRCh37 (hg19) VCF-style: chr2-228118354-G-C.
Identifiers: ClinVar variation 2773040 (VCV002773040.3), dbSNP rs869025328, ClinGen allele CA431509900.
Genomic context (GRCh38, chr2:227,253,638, plus strand): 5'-AGGACCCCCGGGACCACCAGGAACAGTTATTGTGACCCTAACTGGCCCAGATAACAGAAC[G>C]GTAACTCTGCGATTTTATGATTAGTGTTGTGCCTTCCCGTGTCTAGGATGAAGTCCTTGT-3'
Protein context (NP_000082.2, residues 245-265): IVTLTGPDNR[Thr255=]DLKGEKGDKG

ClinVar aggregate classification (germline): Uncertain significance (1 of 4 stars; one submission).

Submission:

Labcorp Genetics (formerly Invitae), Labcorp
Classification: Uncertain significance. Last evaluated: 2023-10-30. Review status: criteria provided, single submitter. Criteria: Invitae Variant Classification Sherloc (09022015). Collection method: clinical testing. Allele origin: germline.
Comment: This sequence change affects codon 255 of the COL4A3 mRNA. It is a 'silent' change, meaning that it does not change the encoded amino acid sequence of the COL4A3 protein. This variant also falls at the last nucleotide of exon 13, which is part of the consensus splice site for this exon. This variant is not present in population databases (gnomAD no frequency). This variant has not been reported in the literature in individuals affected with COL4A3-related conditions. Variants that disrupt the consensus splice site are a relatively common cause of aberrant splicing (PMID: 17576681, 9536098). Algorithms developed to predict the effect of sequence changes on RNA splicing suggest that this variant may disrupt the consensus splice site. This variant disrupts the c.765G nucleotide in the COL4A3 gene. Other variant(s) that disrupt this nucleotide have been determined to be pathogenic (PMID: 35386907). This suggests that this nucleotide is clinically significant, and that variants that disrupt this position are likely to be disease-causing. In summary, the available evidence is currently insufficient to determine the role of this variant in disease. Therefore, it has been classified as a Variant of Uncertain Significance.

Literature cited by the submitters: PubMed 17576681; PubMed 9536098; PubMed 35386907.